The following is an entry in ClinVar:

ClinVar aggregate classification (germline): Likely benign (0 of 4 stars; one submission).

Conditions:
RAC2-related disorder. Also called: RAC2-related condition.

Allele frequency attached by ClinVar (database versions not stated): gnomAD 0.00002.

Submission:

PreventionGenetics, part of Exact Sciences
Classification: Likely benign for RAC2-related condition. Last evaluated: 2021-03-23. Review status: no assertion criteria provided. Collection method: clinical testing. Allele origin: germline.
Comment: This variant is classified as likely benign based on ACMG/AMP sequence variant interpretation guidelines (Richards et al. 2015 PMID: 25741868, with internal and published modifications).

NM_002872.5(RAC2):c.226-4C>A

Gene: RAC2 (Rac family small GTPase 2; minus strand). Cytogenetic location: 22q13.1.
Variant type: single nucleotide variant.
Coding change: c.226-4C>A on transcript NM_002872.5 (MANE Select); 4 bases into the intron before coding-DNA position 226, C replaced by A.
Molecular consequence: intron variant.
Genome position (GRCh38, 1-based): chr22:37,231,998, G>T on the plus strand (C>A on the coding strand, the complement: RAC2 is on the minus strand). VCF-style: chr22-37231998-G-T. GRCh37 (hg19) VCF-style: chr22-37628038-G-T.
Identifiers: ClinVar variation 3030212 (VCV003030212.2), dbSNP rs1601672062, ClinGen allele CA913087445.